The following is an entry in ClinVar:

ClinVar aggregate classification (germline): Likely benign (1 of 4 stars; one submission).

gnomAD v4.1: 9 of 1,611,600 alleles (0.00056%); highest among the groups gnomAD compares: Middle Eastern, 0.033%; no homozygotes.

Submission:

CeGaT Center for Human Genetics Tuebingen
Classification: Likely benign. Last evaluated: 2026-04-01. Review status: criteria provided, single submitter. Criteria: CeGaT Center For Human Genetics Tuebingen Variant Classification Criteria Version 2. Collection method: clinical testing. Allele origin: germline. Affected: yes. Observed: 1 variant allele.
Comment: HCN2: BP4, BP7

NM_001194.4(HCN2):c.1767C>T (p.Val589=)

Gene: HCN2 (hyperpolarization activated cyclic nucleotide gated potassium and sodium channel 2; plus strand). Cytogenetic location: 19p13.3.
Variant type: single nucleotide variant.
Coding change: c.1767C>T on transcript NM_001194.4 (MANE Select); coding-DNA position 1767, C replaced by T.
Protein change: p.Val589=; no amino-acid change (valine 589 retained).
Molecular consequence: synonymous variant.
Genome position (GRCh38, 1-based): chr19:613,430, C>T. VCF-style: chr19-613430-C-T. GRCh37 (hg19) VCF-style: chr19-613430-C-T.
Identifiers: ClinVar variation 4873432 (VCV004873432.2).